The following is an entry in ClinVar:

ClinVar aggregate classification (germline): Uncertain significance. Review status: criteria provided, multiple submitters, no conflicts (2 of 4 stars). 2 submissions from 2 submitters: Uncertain significance (2). Last evaluated 2024-06-11.

Conditions:
Cardiovascular phenotype. Identifiers: MedGen CN230736.
Brugada syndrome. Also called: Sudden unexpected nocturnal death syndrome; Sudden unexplained nocturnal death syndrome; Sudden Unexplained Death Syndrome; Sudden Unexplained Nocturnal Death Syndrome (SUNDS). Identifiers: Orphanet 130, MedGen C1142166, MONDO:0015263.

Submissions (2):

Ambry Genetics
Classification: Uncertain significance for Cardiovascular phenotype. Last evaluated: 2024-06-11. Review status: criteria provided, single submitter. Criteria: Ambry Variant Classification Scheme 2023. Collection method: clinical testing. Allele origin: germline.

Labcorp Genetics (formerly Invitae), Labcorp
Classification: Uncertain significance for Brugada syndrome. Last evaluated: 2023-01-29. Review status: criteria provided, single submitter. Criteria: Invitae Variant Classification Sherloc (09022015). Collection method: clinical testing. Allele origin: germline.
Comment: This variant is not present in population databases (gnomAD no frequency). This sequence change replaces proline, which is neutral and non-polar, with alanine, which is neutral and non-polar, at codon 651 of the CACNA2D1 protein (p.Pro651Ala). Algorithms developed to predict the effect of missense changes on protein structure and function are either unavailable or do not agree on the potential impact of this missense change (SIFT: "Tolerated"; PolyPhen-2: "Probably Damaging"; Align-GVGD: "Class C0"). In summary, the available evidence is currently insufficient to determine the role of this variant in disease. Therefore, it has been classified as a Variant of Uncertain Significance. This variant has not been reported in the literature in individuals affected with CACNA2D1-related conditions.

NM_000722.4(CACNA2D1):c.1951C>G (p.Pro651Ala)

Gene: CACNA2D1 (calcium voltage-gated channel auxiliary subunit alpha2delta 1; minus strand). Cytogenetic location: 7q21.11.
Variant type: single nucleotide variant.
Coding change: c.1951C>G on transcript NM_000722.4 (MANE Select); coding-DNA position 1951, C replaced by G.
Protein change: p.Pro651Ala; replaces proline 651 with alanine.
Molecular consequence: missense variant.
Genome position (GRCh38, 1-based): chr7:81,982,571, G>C on the plus strand (C>G on the coding strand, the complement: CACNA2D1 is on the minus strand). VCF-style: chr7-81982571-G-C. GRCh37 (hg19) VCF-style: chr7-81611887-G-C.
Other names: c.1987C>G, p.Pro663Ala (NM_001366867.1); short protein forms P663A, P651A.
Identifiers: ClinVar variation 2832736 (VCV002832736.4), dbSNP rs774376615, ClinGen allele CA367895117.